The following is an entry in ClinVar:

ClinVar aggregate classification (germline): Pathogenic. Review status: criteria provided, single submitter (1 of 4 stars). 2 submissions from 2 submitters: Pathogenic (1). 1 of the submissions does not count toward it. Last evaluated 2013-07-24.
ClinVar aggregate classification (oncogenicity): Oncogenic (1 of 4 stars; one submission).

Conditions:
Lung adenocarcinoma. Also called: Adenocarcinoma of lung; Adenocarcinoma of lung, somatic. Identifiers: MedGen C0152013, MeSH D000077192, MONDO:0005061, HP:0030078.
Non-small cell lung carcinoma (NSCLC). Also called: Non-small cell lung cancer. Identifiers: MedGen C0007131, MeSH D002289, MONDO:0005233, HP:0030358. Disease mechanism: Other.
Neoplasm. Also called: Neoplasms; Neoplasm (disease); tumor. Identifiers: MedGen C0027651, MeSH D009369, MONDO:0005070, HP:0002664.

Submissions (3):

Center for Genomic Medicine, Rigshospitalet, Copenhagen University Hospital
Classification: Oncogenic for Neoplasm. Last evaluated: 2025-03-04. Review status: criteria provided, single submitter. Criteria: ClinGen/CGC/VICC Guidelines for Oncogenicity, 2022. Collection method: clinical testing. Allele origin: somatic. Affected: yes.

Laboratory for Molecular Medicine, Mass General Brigham Personalized Medicine
Classification: Pathogenic for Non-small cell lung carcinoma. Last evaluated: 2013-07-24. Review status: criteria provided, single submitter. Criteria: LMM Criteria. Collection method: clinical testing. Allele origin: somatic. Observed: 2 variant alleles.
Comment: The c.2331_2339dupGGGCTCCCC variant in ERBB2 has previously been identified in m ulitple lung adenocarcinomas, including one patient who had a response to an Erb B family blocker (Shigematsu 2005, Han 2006, Yamanaka 2008, Arcila 2012, De Grev e 2012). Somatic ERBB2 variants have been identified in up to 9.8% of cases of lung adenocarcinoma (Cancer Genome Project and Collaborative Group 2004).

Key Laboratory of Carcinogenesis and Cancer Invasion, Central South University
Classification: Likely pathogenic for Adenocarcinoma of lung. Review status: no assertion criteria provided. Collection method: clinical testing. Allele origin: somatic. Affected: yes. Not counted in ClinVar's aggregate classification.

Literature cited by the submitters: PubMed 31588020 (cited by Center for Genomic Medicine, Rigshospitalet, Copenhagen University Hospital); PubMed 15753357 (cited by Laboratory for Molecular Medicine, Mass General Brigham Personalized Medicine); PubMed 18334834 (cited by Laboratory for Molecular Medicine, Mass General Brigham Personalized Medicine); PubMed 22761469 (cited by Laboratory for Molecular Medicine, Mass General Brigham Personalized Medicine); PubMed 22325357 (cited by Laboratory for Molecular Medicine, Mass General Brigham Personalized Medicine); PubMed 16638863 (cited by Laboratory for Molecular Medicine, Mass General Brigham Personalized Medicine).

NM_004448.4(ERBB2):c.2331_2339dup (p.Gly778_Pro780dup)

Gene: ERBB2 (erb-b2 receptor tyrosine kinase 2; plus strand). Cytogenetic location: 17q12.
Variant type: Duplication.
Coding change: c.2331_2339dup on transcript NM_004448.4 (MANE Select); coding-DNA positions 2331 to 2339, 9 bases duplicated (GGGCTCCCC; older notation c.2331_2339dupGGGCTCCCC).
Protein change: p.Gly778_Pro780dup.
Molecular consequence: inframe insertion. On other transcripts: non-coding transcript variant (1), intron variant (2).
Genome position (GRCh38, 1-based): chr17:39,724,749-39,724,757, GGGCTCCCC duplicated. VCF-style (leftmost placement, unchanged base first): chr17-39724748-T-TGGGCTCCCC. GRCh37 (hg19) VCF-style: chr17-37881001-T-TGGGCTCCCC.
Other names: p.Pro780_Tyr781insGlySerPro; c.2241_2249dup, p.Gly748_Pro750dup (NM_001005862.3, NM_001382782.1, NM_001382783.1); c.2286_2294dup, p.Gly763_Pro765dup (NM_001289936.2); c.2331_2339dup, p.Gly778_Pro780dup (NM_001289937.2, NM_001382796.1, NM_001382798.1); c.2448_2456dup, p.Gly817_Pro819dup (NM_001382784.1); c.2433_2441dup, p.Gly812_Pro814dup (NM_001382785.1); c.2412_2420dup, p.Gly805_Pro807dup (NM_001382786.1); c.2406_2414dup, p.Gly803_Pro805dup (NM_001382787.1); and 15 more.
Identifiers: ClinVar variation 44992 (VCV000044992.10), dbSNP rs397516981, ClinGen allele CA135394.